The following is an entry in ClinVar:

ClinVar aggregate classification (germline): Uncertain significance (1 of 4 stars; one submission).

Allele frequency attached by ClinVar (database versions not stated): gnomAD 0.00001.
gnomAD v4.1: 1 of 1,613,560 alleles (0.000062%); highest among the groups gnomAD compares: Non-Finnish European, 0.000085%; no homozygotes.

Submission:

Labcorp Genetics (formerly Invitae), Labcorp
Classification: Uncertain significance. Last evaluated: 2020-09-11. Review status: criteria provided, single submitter. Criteria: Invitae Variant Classification Sherloc (09022015). Collection method: clinical testing. Allele origin: germline.
Comment: This sequence change replaces isoleucine with valine at codon 1113 of the ABCA4 protein (p.Ile1113Val). The isoleucine residue is highly conserved and there is a small physicochemical difference between isoleucine and valine. This variant is not present in population databases (ExAC no frequency). This variant has not been reported in the literature in individuals with ABCA4-related conditions. Advanced modeling of protein sequence and biophysical properties (such as structural, functional, and spatial information, amino acid conservation, physicochemical variation, residue mobility, and thermodynamic stability) performed at Invitae indicates that this missense variant is not expected to disrupt ABCA4 protein function. In summary, the available evidence is currently insufficient to determine the role of this variant in disease. Therefore, it has been classified as a Variant of Uncertain Significance.

NM_000350.3(ABCA4):c.3337A>G (p.Ile1113Val)

Gene: ABCA4 (ATP binding cassette subfamily A member 4; minus strand). Cytogenetic location: 1p22.1.
Variant type: single nucleotide variant.
Coding change: c.3337A>G on transcript NM_000350.3 (MANE Select); coding-DNA position 3337, A replaced by G.
Protein change: p.Ile1113Val; replaces isoleucine 1113 with valine.
Molecular consequence: missense variant.
Genome position (GRCh38, 1-based): chr1:94,041,394, T>C on the plus strand (A>G on the coding strand, the complement: ABCA4 is on the minus strand). VCF-style: chr1-94041394-T-C. GRCh37 (hg19) VCF-style: chr1-94506950-T-C.
Other names: c.3115A>G, p.Ile1039Val (NM_001425324.1); short protein forms I1113V, I1039V.
Identifiers: ClinVar variation 1015488 (VCV001015488.6), dbSNP rs1385693763, ClinGen allele CA341291367.